The following is an entry in ClinVar:

ClinVar aggregate classification (germline): Likely benign (1 of 4 stars; one submission).

gnomAD v4.1: 4 of 1,586,400 alleles (0.00025%); highest among the groups gnomAD compares: Non-Finnish European, 0.00034%; no homozygotes.

Submission:

CeGaT Center for Human Genetics Tuebingen
Classification: Likely benign. Last evaluated: 2025-12-01. Review status: criteria provided, single submitter. Criteria: CeGaT Center For Human Genetics Tuebingen Variant Classification Criteria Version 2. Collection method: clinical testing. Allele origin: germline. Affected: yes. Observed: 1 variant allele.
Comment: ST14: BP4, BP7

NM_021978.4(ST14):c.1374G>C (p.Thr458=)

Gene: ST14 (ST14 transmembrane serine protease matriptase; plus strand). Cytogenetic location: 11q24.3.
Variant type: single nucleotide variant.
Coding change: c.1374G>C on transcript NM_021978.4 (MANE Select); coding-DNA position 1374, G replaced by C.
Protein change: p.Thr458=; no amino-acid change (threonine 458 retained).
Molecular consequence: synonymous variant.
Genome position (GRCh38, 1-based): chr11:130,197,860, G>C. VCF-style: chr11-130197860-G-C. GRCh37 (hg19) VCF-style: chr11-130067755-G-C.
Identifiers: ClinVar variation 4681637 (VCV004681637.5).